The following is an entry in ClinVar:

ClinVar aggregate classification (germline): Uncertain significance. Review status: criteria provided, multiple submitters, no conflicts (2 of 4 stars). 2 submissions from 2 submitters: Uncertain significance (2). Last evaluated 2025-12-03.

gnomAD v4.1: 33 of 1,613,974 alleles (0.002%); highest among the groups gnomAD compares: Admixed American, 0.0067%; no homozygotes.

Submissions (2):

Labcorp Genetics (formerly Invitae), Labcorp
Classification: Uncertain significance. Last evaluated: 2025-12-03. Review status: criteria provided, single submitter. Criteria: Invitae Variant Classification Sherloc (09022015). Collection method: clinical testing. Allele origin: germline.
Comment: This sequence change replaces arginine, which is basic and polar, with cysteine, which is neutral and slightly polar, at codon 45 of the SCARB1 protein (p.Arg45Cys). This variant is present in population databases (rs368337422, gnomAD 0.009%). This variant has not been reported in the literature in individuals affected with SCARB1-related conditions. ClinVar contains an entry for this variant (Variation ID: 3316412). Invitae Evidence Modeling of protein sequence and biophysical properties (such as structural, functional, and spatial information, amino acid conservation, physicochemical variation, residue mobility, and thermodynamic stability) has been performed for this missense variant. However, the output from this modeling did not meet the statistical confidence thresholds required to predict the impact of this variant on SCARB1 protein function. In summary, the available evidence is currently insufficient to determine the role of this variant in disease. Therefore, it has been classified as a Variant of Uncertain Significance.

Ambry Genetics
Classification: Uncertain significance. Last evaluated: 2024-03-15. Review status: criteria provided, single submitter. Criteria: Ambry Variant Classification Scheme 2023. Collection method: clinical testing. Allele origin: germline.

NM_005505.5(SCARB1):c.133C>T (p.Arg45Cys)

Gene: SCARB1 (scavenger receptor class B member 1; minus strand). Cytogenetic location: 12q24.31.
Variant type: single nucleotide variant.
Coding change: c.133C>T on transcript NM_005505.5 (MANE Select); coding-DNA position 133, C replaced by T.
Protein change: p.Arg45Cys; replaces arginine 45 with cysteine.
Molecular consequence: missense variant. On other transcripts: non-coding transcript variant (9).
Genome position (GRCh38, 1-based): chr12:124,817,701, G>A on the plus strand (C>T on the coding strand, the complement: SCARB1 is on the minus strand). VCF-style: chr12-124817701-G-A. GRCh37 (hg19) VCF-style: chr12-125302247-G-A.
Other names: c.133C>T, p.Arg45Cys (NM_001082959.2, NM_001367981.1, NM_001367983.1 and 6 more transcripts); c.10C>T, p.Arg4Cys (NM_001367982.1); short protein forms R45C, R4C.
Identifiers: ClinVar variation 3316412 (VCV003316412.2).